The following is an entry in ClinVar:

ClinVar aggregate classification (germline): Uncertain significance. Review status: criteria provided, single submitter (1 of 4 stars). 2 submissions from 2 submitters: Uncertain significance (1). 1 of the submissions does not count toward it. Last evaluated 2023-08-16.

Conditions:
Epidermolysis bullosa dystrophica. Also called: Dystrophic epidermolysis bullosa, Hallopeau-Siemens type (formerly); Dystrophic epidermolysis bullosa. Identifiers: Orphanet 303, MedGen C0079294, MONDO:0006543.

gnomAD v4.1: 1 of 1,611,790 alleles (0.000062%); highest among the groups gnomAD compares: Non-Finnish European, 0.000085%; no homozygotes.

Submissions (2):

Labcorp Genetics (formerly Invitae), Labcorp
Classification: Uncertain significance. Last evaluated: 2023-08-16. Review status: criteria provided, single submitter. Criteria: Invitae Variant Classification Sherloc (09022015). Collection method: clinical testing. Allele origin: germline.
Comment: This sequence change replaces serine, which is neutral and polar, with phenylalanine, which is neutral and non-polar, at codon 2720 of the COL7A1 protein (p.Ser2720Phe). This variant is present in population databases (no rsID available, gnomAD 0.0009%). This variant has not been reported in the literature in individuals affected with COL7A1-related conditions. Advanced modeling of protein sequence and biophysical properties (such as structural, functional, and spatial information, amino acid conservation, physicochemical variation, residue mobility, and thermodynamic stability) has been performed at Invitae for this missense variant, however the output from this modeling did not meet the statistical confidence thresholds required to predict the impact of this variant on COL7A1 protein function. In summary, the available evidence is currently insufficient to determine the role of this variant in disease. Therefore, it has been classified as a Variant of Uncertain Significance.

Natera, Inc.
Classification: Uncertain significance for Dystrophic epidermolysis bullosa. Last evaluated: 2025-02-19. Review status: no assertion criteria provided. Collection method: clinical testing. Allele origin: germline. Not counted in ClinVar's aggregate classification.

NM_000094.4(COL7A1):c.8159C>T (p.Ser2720Phe)

Gene: COL7A1 (collagen type VII alpha 1 chain; minus strand). Cytogenetic location: 3p21.31.
Variant type: single nucleotide variant.
Coding change: c.8159C>T on transcript NM_000094.4 (MANE Select); coding-DNA position 8159, C replaced by T.
Protein change: p.Ser2720Phe; replaces serine 2720 with phenylalanine.
Molecular consequence: missense variant.
Genome position (GRCh38, 1-based): chr3:48,566,974, G>A on the plus strand (C>T on the coding strand, the complement: COL7A1 is on the minus strand). VCF-style: chr3-48566974-G-A. GRCh37 (hg19) VCF-style: chr3-48604407-G-A.
Other names: short protein forms S2720F.
Identifiers: ClinVar variation 2866626 (VCV002866626.4), dbSNP rs1416469263, ClinGen allele CA352639938.